The following is an entry in ClinVar:

NC_012920.1(MT-ND2):m.5484A>G

Gene: MT-ND2 (mitochondrially encoded NADH dehydrogenase 2; plus strand).
Variant type: single nucleotide variant.
Genome position: chrM-5484-A-G.
Identifiers: ClinVar variation 692594 (VCV000692594.1), dbSNP rs1603219979, ClinGen allele CA414780529.
Genomic context (GRCh38, chrMT:5,484, plus strand): 5'-CATACAAAACCCACCCCATTCCTCCCCACACTCATCGCCCTTACCACGCTACTCCTACCT[A>G]TCTCCCCTTTTATACTAATAATCTTATAGAAATTTAGGTTAAATACAGACCAAGAGCCTT-3'

ClinVar aggregate classification (germline): Likely benign (1 of 4 stars; one submission).

Conditions:
Leigh syndrome (NULS). Also called: Leigh's necrotizing encephalopathy; Leigh's disease; Leigh Syndrome (mtDNA deletion); Leigh Disease; Subacute necrotizing encephalopathy; Necrotizing encephalopathy infantile subacute of Leigh. Identifiers: Orphanet 506, MedGen C2931891, MONDO:0009723, OMIM 256000.

Submission:

Wong Mito Lab, Molecular and Human Genetics, Baylor College of Medicine
Classification: Likely benign for Leigh syndrome. Last evaluated: 2019-10-17. Review status: criteria provided, single submitter. Criteria: Modified ACMG Guidelines (Unpublished). Collection method: clinical testing. Allele origin: germline.
Comment: The NC_012920.1:m.5484A>G (YP_003024027.1:p.Ile339Val) variant in MTND2 gene is interpretated to be a Likely Benign variant based on the modified ACMG guidelines (unpublished). This variant meets the following evidence codes: BP4, BP6